The following is an entry in ClinVar:

NM_006231.4(POLE):c.1226+6G>A

Gene: POLE (DNA polymerase epsilon, catalytic subunit; minus strand). Cytogenetic location: 12q24.33.
Variant type: single nucleotide variant.
Coding change: c.1226+6G>A on transcript NM_006231.4 (MANE Select); 6 bases into the intron after coding-DNA position 1226, G replaced by A.
Molecular consequence: intron variant.
Genome position (GRCh38, 1-based): chr12:132,675,392, C>T on the plus strand (G>A on the coding strand, the complement: POLE is on the minus strand). VCF-style: chr12-132675392-C-T. GRCh37 (hg19) VCF-style: chr12-133251978-C-T.
Identifiers: ClinVar variation 641142 (VCV000641142.8), dbSNP rs1286283864, ClinGen allele CA608514404.

ClinVar aggregate classification (germline): Uncertain significance (1 of 4 stars; one submission).

Allele frequency attached by ClinVar (database versions not stated): gnomAD exomes below 0.00001.

Submission:

Labcorp Genetics (formerly Invitae), Labcorp
Classification: Uncertain significance. Last evaluated: 2018-11-05. Review status: criteria provided, single submitter. Criteria: Invitae Variant Classification Sherloc (09022015). Collection method: clinical testing. Allele origin: germline.
Comment: In summary, the available evidence is currently insufficient to determine the role of this variant in disease. Therefore, it has been classified as a Variant of Uncertain Significance. Nucleotide substitutions within the consensus splice site are a relatively common cause of aberrant splicing (PMID: 17576681, 9536098). Algorithms developed to predict the effect of sequence changes on RNA splicing suggest that this variant is not likely to affect RNA splicing, but this prediction has not been confirmed by published transcriptional studies. This variant has not been reported in the literature in individuals with POLE-related disease. This variant is not present in population databases (ExAC no frequency). This sequence change falls in intron 12 of the POLE gene. It does not directly change the encoded amino acid sequence of the POLE protein, but it affects a nucleotide within the consensus splice site of the intron.

Literature cited by the submitters: PubMed 17576681; PubMed 9536098.